The following is an entry in ClinVar:

ClinVar aggregate classification (germline): Uncertain significance (1 of 4 stars; one submission).

Conditions:
Hereditary cancer-predisposing syndrome. Also called: Neoplastic Syndromes, Hereditary; Tumor predisposition; Hereditary Cancer Syndrome; Hereditary neoplastic syndrome. Identifiers: Orphanet 140162, MedGen C0027672, MeSH D009386, MONDO:0015356.

Submission:

Ambry Genetics
Classification: Uncertain significance for Hereditary cancer-predisposing syndrome. Last evaluated: 2026-04-11. Review status: criteria provided, single submitter. Criteria: Ambry Variant Classification Scheme 2023. Collection method: clinical testing. Allele origin: germline.
Comment: The p.I728T variant (also known as c.2183T>C), located in coding exon 17 of the POLD1 gene, results from a T to C substitution at nucleotide position 2183. The isoleucine at codon 728 is replaced by threonine, an amino acid with similar properties. This amino acid position is conserved. In addition, this alteration is predicted to be deleterious by in silico analysis. Based on the available evidence, the clinical significance of this variant remains unclear.

NM_002691.4(POLD1):c.2183T>C (p.Ile728Thr)

Gene: POLD1 (DNA polymerase delta 1, catalytic subunit; plus strand). Cytogenetic location: 19q13.33.
Variant type: single nucleotide variant.
Coding change: c.2183T>C on transcript NM_002691.4 (MANE Select); coding-DNA position 2183, T replaced by C.
Protein change: p.Ile728Thr; replaces isoleucine 728 with threonine.
Molecular consequence: missense variant. On other transcripts: non-coding transcript variant (1).
Genome position (GRCh38, 1-based): chr19:50,413,454, T>C. VCF-style: chr19-50413454-T-C. GRCh37 (hg19) VCF-style: chr19-50916711-T-C.
Other names: c.2183T>C, p.Ile728Thr (NM_001256849.1, NM_001438212.1, NM_001438213.1); c.2261T>C, p.Ile754Thr (NM_001308632.1); c.2111T>C, p.Ile704Thr (NM_001438210.1, NM_001438211.1); short protein forms I704T, I728T, I754T.
Identifiers: ClinVar variation 4862177 (VCV004862177.1).
Genomic context (GRCh38, chr19:50,413,454, plus strand): 5'-GGCTTCACTCCGCATGATTCTCTCCCCGACAGAGCGTCACGGGGTTCGGACGTCAGATGA[T>C]CGAGAAAACCAAGCAGCTGGTGGAGTCTAAGTACACAGTGGAGAATGGCTACAGCACCAG-3'
Protein context (NP_002682.2, residues 718-738): QSVTGFGRQM[Ile728Thr]EKTKQLVESK